The following is an entry in ClinVar:

ClinVar aggregate classification (germline): Likely benign. Review status: criteria provided, multiple submitters, no conflicts (2 of 4 stars). 3 submissions from 3 submitters: Likely benign (3). Last evaluated 2023-07-31.

Conditions:
Fabry disease. Also called: Fabry's disease; ALPHA-GALACTOSIDASE A DEFICIENCY; ANDERSON-FABRY DISEASE; CERAMIDE TRIHEXOSIDASE DEFICIENCY; GLA DEFICIENCY; HEREDITARY DYSTOPIC LIPIDOSIS. Identifiers: Orphanet 324, MedGen C0002986, MONDO:0010526, OMIM 301500, HP:0001071. Disease mechanism: Fabry disease is due to inactivating mutations in the X-linked GLA gene resulting in deficiency of the enzyme Alpha Galactosidase-A., loss of function.

Allele frequency attached by ClinVar (database versions not stated): gnomAD exomes below 0.00001.
gnomAD v4.1: 3 of 1,204,431 alleles (0.00025%); highest among the groups gnomAD compares: Non-Finnish European, 0.00034%; no homozygotes.

Submissions (3):

Labcorp Genetics (formerly Invitae), Labcorp
Classification: Likely benign for Fabry disease. Last evaluated: 2023-07-31. Review status: criteria provided, single submitter. Criteria: Invitae Variant Classification Sherloc (09022015). Collection method: clinical testing. Allele origin: germline.

All of Us Research Program, National Institutes of Health
Classification: Likely benign for Fabry disease. Last evaluated: 2023-04-28. Review status: criteria provided, single submitter. Criteria: ACMG Guidelines, 2015. Collection method: clinical testing. Allele origin: germline. Inheritance: X-linked inheritance. Observed: 1 variant allele, 1 heterozygote.
Comment: This study involves interpretation of variants in research participants for the purpose of population health screening. Participant phenotype was not available at the time of variant classification. Additional details can be found in publication PMID: 35346344, PMCID: PMC8962531

Color Diagnostics, LLC DBA Color Health
Classification: Likely benign for Fabry disease. Last evaluated: 2022-03-09. Review status: criteria provided, single submitter. Criteria: ACMG Guidelines, 2015. Collection method: clinical testing. Allele origin: germline.

NM_000169.3(GLA):c.819T>C (p.Phe273=)

Genes: GLA (galactosidase alpha; minus strand), RPL36A-HNRNPH2 (RPL36A-HNRNPH2 readthrough; plus strand). Cytogenetic location: Xq22.1.
Variant type: single nucleotide variant.
Coding change: c.819T>C on transcript NM_000169.3 (MANE Select); coding-DNA position 819, T replaced by C.
Protein change: p.Phe273=; no amino-acid change (phenylalanine 273 retained).
Molecular consequence: synonymous variant. On other transcripts: non-coding transcript variant (3), intron variant (2).
Genome position (GRCh38, 1-based): chrX:101,398,550, A>G on the plus strand (T>C on the coding strand, the complement: GLA is on the minus strand). VCF-style: chrX-101398550-A-G. GRCh37 (hg19) VCF-style: chrX-100653538-A-G.
Other names: c.942T>C, p.Phe314= (NM_001406747.1); c.819T>C, p.Phe273= (NM_001406748.1); c.300+3093A>G (NM_001199973.2); c.177+6728A>G (NM_001199974.2).
Identifiers: ClinVar variation 2748478 (VCV002748478.5), dbSNP rs2520864908, ClinGen allele CA517736862.
Genomic context (GRCh38, chrX:101,398,550, plus strand): 5'-AGGAGCAGCCATGATAGCCCAGAGGGCCATCTGAGTTACTTGCTGATTCCAGCTGAGGCC[A>G]AAGTTGCCAATCACTAACTGAGAAAAAGAATGAAATAATTCAAACAAGAGAGGAGGAAAC-3'
Protein context (NP_000160.1, residues 263-283): NDPDMLVIGN[Phe273=]GLSWNQQVTQ